The following is an entry in ClinVar:

ClinVar aggregate classification (germline): Uncertain significance. Review status: criteria provided, multiple submitters, no conflicts (2 of 4 stars). 2 submissions from 2 submitters: Uncertain significance (2). Last evaluated 2020-05-25.

Conditions:
Duchenne muscular dystrophy (DMD). Also called: Duchenne Muscular Dystrophy (DMD); MUSCULAR DYSTROPHY, PSEUDOHYPERTROPHIC PROGRESSIVE, DUCHENNE TYPE. Identifiers: Orphanet 98896, MedGen C0013264, MONDO:0010679, OMIM 310200.

Submissions (2):

Revvity Omics, Revvity
Classification: Uncertain significance. Last evaluated: 2020-05-25. Review status: criteria provided, single submitter. Criteria: ACMG Guidelines, 2015. Collection method: clinical testing. Allele origin: germline.

Labcorp Genetics (formerly Invitae), Labcorp
Classification: Uncertain significance for Duchenne muscular dystrophy. Last evaluated: 2017-10-16. Review status: criteria provided, single submitter. Criteria: Invitae Variant Classification Sherloc (09022015). Collection method: clinical testing. Allele origin: germline.
Comment: In summary, the available evidence is currently insufficient to determine the role of this variant in disease. Therefore, it has been classified as a Variant of Uncertain Significance. This sequence change replaces alanine with glutamic acid at codon 199 of the DMD protein (p.Ala199Glu). The alanine residue is highly conserved and there is a moderate physicochemical difference between alanine and glutamic acid. This variant is not present in population databases (ExAC no frequency). This variant has been reported in an individual affected with DMD-related muscular dystrophy (PMID: 19937601). Algorithms developed to predict the effect of missense changes on protein structure and function (SIFT, PolyPhen-2, Align-GVGD) all suggest that this variant is likely to be disruptive, but these predictions have not been confirmed by published functional studies and their clinical significance is uncertain.

Literature cited by the submitters: PubMed 19937601 (cited by Labcorp Genetics (formerly Invitae), Labcorp).

NM_004006.3(DMD):c.596C>A (p.Ala199Glu)

Gene: DMD (dystrophin; minus strand). Cytogenetic location: Xp21.1.
Variant type: single nucleotide variant.
Coding change: c.596C>A on transcript NM_004006.3 (MANE Select); coding-DNA position 596, C replaced by A.
Protein change: p.Ala199Glu; replaces alanine 199 with glutamic acid.
Molecular consequence: missense variant.
Genome position (GRCh38, 1-based): chrX:32,809,546, G>T on the plus strand (C>A on the coding strand, the complement: DMD is on the minus strand). VCF-style: chrX-32809546-G-T. GRCh37 (hg19) VCF-style: chrX-32827663-G-T.
Other names: c.572C>A, p.Ala191Glu (NM_000109.4); c.584C>A, p.Ala195Glu (NM_004009.3); c.227C>A, p.Ala76Glu (NM_004010.3); short protein forms A199E, A191E, A195E, A76E.
Identifiers: ClinVar variation 526052 (VCV000526052.11), dbSNP rs1557047884, ClinGen allele CA412673867.
Genomic context (GRCh38, chrX:32,809,546, plus strand): 5'-TACCAACCTTCAGGATCGAGTAGTTTCTCTATGCCTAATTGATATCTGGCGATGTTGAAT[G>T]CATGTTCCAGTCGTTGTGTGGCTGACTGCTGGCAAACCACACTATTCCAGTCAAATAGGT-3'
Protein context (NP_003997.2, residues 189-209): QQSATQRLEH[Ala199Glu]FNIARYQLGI